The following is an entry in ClinVar:

ClinVar aggregate classification (germline): Uncertain significance (1 of 4 stars; one submission).

Conditions:
Hereditary sensory and autonomic neuropathy type 6. Also called: Neuropathy, hereditary sensory and autonomic, type VI; HSAN VI. Identifiers: Orphanet 314381, MedGen C3539003, MONDO:0013839, OMIM 614653.
Epidermolysis bullosa simplex 3, localized or generalized intermediate, with BP230 deficiency (EBS3). Also called: Epidermolysis bullosa simplex due to BP230 deficiency; Epidermolysis bullosa simplex, autosomal recessive 2. Identifiers: Orphanet 412181, MedGen C3809470, MONDO:0014180, OMIM 615425.

Submission:

Labcorp Genetics (formerly Invitae), Labcorp
Classification: Uncertain significance for Epidermolysis bullosa simplex 3, localized or generalized intermediate, with BP230 deficiency; Hereditary sensory and autonomic neuropathy type 6. Last evaluated: 2021-10-06. Review status: criteria provided, single submitter. Criteria: Invitae Variant Classification Sherloc (09022015). Collection method: clinical testing. Allele origin: germline.
Comment: This sequence change replaces alanine with threonine at codon 1653 of the DST protein (p.Ala1653Thr). The DST gene has multiple clinically relevant transcripts. This variant occurs in alternate transcript NM_015548.4, and corresponds to NM_001723.5:c.*23258G>A in the primary transcript. This variant is not present in population databases (ExAC no frequency). This variant has not been reported in the literature in individuals affected with DST-related conditions. Experimental studies and prediction algorithms are not available or were not evaluated, and the functional significance of this variant is currently unknown. In summary, the available evidence is currently insufficient to determine the role of this variant in disease. Therefore, it has been classified as a Variant of Uncertain Significance.

NM_001374736.1(DST):c.12826G>A (p.Ala4276Thr)

Gene: DST (dystonin; minus strand). Cytogenetic location: 6p12.1.
Variant type: single nucleotide variant.
Coding change: c.12826G>A on transcript NM_001374736.1 (MANE Select); coding-DNA position 12826, G replaced by A.
Protein change: p.Ala4276Thr; replaces alanine 4276 with threonine.
Molecular consequence: missense variant.
Genome position (GRCh38, 1-based): chr6:56,592,259, C>T on the plus strand (G>A on the coding strand, the complement: DST is on the minus strand). VCF-style: chr6-56592259-C-T. GRCh37 (hg19) VCF-style: chr6-56457057-C-T.
Other names: c.6469G>A, p.Ala2157Thr (NM_001144769.5); c.6055G>A, p.Ala2019Thr (NM_001144770.2); c.12826G>A, p.Ala4276Thr (NM_001374722.1); c.12193G>A, p.Ala4065Thr (NM_001374729.1); c.5935G>A, p.Ala1979Thr (NM_001374730.1, NM_001386100.1, NM_183380.4); c.12853G>A, p.Ala4285Thr (NM_001374734.1); c.4957G>A, p.Ala1653Thr (NM_015548.5); short protein forms A2019T, A4065T, A1653T, A2157T, A4276T, A4285T, A1979T.
Identifiers: ClinVar variation 1461899 (VCV001461899.6), dbSNP rs2152685559, ClinGen allele CA364524542.
Genomic context (GRCh38, chr6:56,592,259, plus strand): 5'-GCCTTTGAAGATTTTTGGGGTCCACCGCAATAGGTTCAGATAAGTGTTTGCTCGCTGTGG[C>T]CTCACAGGCCTGGAGTCCAGCAAGAAGTCCACATGAAGCATCTTCATAGTGTTGATATTT-3'
Protein context (NP_001361665.1, residues 4266-4286): GLLAGLQACE[Ala4276Thr]TASKHLSEPI